The following is an entry in ClinVar:

NM_001282933.2(ZNF341):c.92del (p.Pro31fs)

Gene: ZNF341 (zinc finger protein 341; plus strand). Cytogenetic location: 20q11.22.
Variant type: Deletion.
Coding change: c.92del on transcript NM_001282933.2 (MANE Select); coding-DNA position 92, one base deleted (C; older notation c.92delC).
Protein change: p.Pro31fs; shifts the reading frame from proline 31.
Molecular consequence: frameshift variant. On other transcripts: nonsense (1), non-coding transcript variant (1).
Genome position (GRCh38, 1-based): chr20:33,740,962, C deleted; the last of 3 consecutive C bases (chr20:33,740,960-33,740,962); deleting any one gives the same sequence. VCF-style (leftmost placement, unchanged base first): chr20-33740959-TC-T. GRCh37 (hg19) VCF-style: chr20-32328765-TC-T.
Other names: c.19del, p.Ser6_Leu7insTer (NM_001282935.2); c.92del, p.Pro31fs (NM_032819.5); short protein forms P31fs.
Identifiers: ClinVar variation 2732393 (VCV002732393.3), dbSNP rs2018787057, ClinGen allele CA2360892436.

ClinVar aggregate classification (germline): Pathogenic (1 of 4 stars; one submission).

Submission:

Labcorp Genetics (formerly Invitae), Labcorp
Classification: Pathogenic. Last evaluated: 2025-12-15. Review status: criteria provided, single submitter. Criteria: Invitae Variant Classification Sherloc (09022015). Collection method: clinical testing. Allele origin: germline.
Comment: This sequence change creates a premature translational stop signal (p.Pro31Leufs*39) in the ZNF341 gene. It is expected to result in an absent or disrupted protein product. Loss-of-function variants in ZNF341 are known to be pathogenic (PMID: 29907690, 29907691). This variant is not present in population databases (gnomAD no frequency). This variant has not been reported in the literature in individuals affected with ZNF341-related conditions. ClinVar contains an entry for this variant (Variation ID: 2732393). For these reasons, this variant has been classified as Pathogenic.

Literature cited by the submitters: PubMed 29907690; PubMed 29907691.